The following is an entry in ClinVar:

NM_015073.3(SIPA1L3):c.3593C>T (p.Thr1198Met)

Gene: SIPA1L3 (signal induced proliferation associated 1 like 3; plus strand). Cytogenetic location: 19q13.13.
Variant type: single nucleotide variant.
Coding change: c.3593C>T on transcript NM_015073.3 (MANE Select); coding-DNA position 3593, C replaced by T.
Protein change: p.Thr1198Met; replaces threonine 1198 with methionine.
Molecular consequence: missense variant.
Genome position (GRCh38, 1-based): chr19:38,152,899, C>T. VCF-style: chr19-38152899-C-T. GRCh37 (hg19) VCF-style: chr19-38643539-C-T.
Other names: short protein forms T1198M.
Identifiers: ClinVar variation 680797 (VCV000680797.10), dbSNP rs78686793, ClinGen allele CA9410049.

ClinVar aggregate classification (germline): Benign. Review status: criteria provided, multiple submitters, no conflicts (2 of 4 stars). 3 submissions from 3 submitters: Benign (3). Last evaluated 2026-01-27.

Allele frequency attached by ClinVar (database versions not stated): 1000 Genomes Project 30x 0.01999; 1000 Genomes Project 0.01797; ExAC 0.02445; ESP Exome Variant Server 0.01392; gnomAD 0.01564; TOPMed 0.02161.
gnomAD v4.1: 28,600 of 1,613,676 alleles (1.8%); highest among the groups gnomAD compares: Admixed American, 9.6%; 583 homozygotes.

Submissions (3):

Labcorp Genetics (formerly Invitae), Labcorp
Classification: Benign. Last evaluated: 2026-01-27. Review status: criteria provided, single submitter. Criteria: Invitae Variant Classification Sherloc (09022015). Collection method: clinical testing. Allele origin: germline.

GeneDx
Classification: Benign. Last evaluated: 2018-05-01. Review status: criteria provided, single submitter. Criteria: GeneDx Variant Classification (06012015). Collection method: clinical testing. Allele origin: germline. Affected: yes.
Comment: This variant is considered likely benign or benign based on one or more of the following criteria: it is a conservative change, it occurs at a poorly conserved position in the protein, it is predicted to be benign by multiple in silico algorithms, and/or has population frequency not consistent with disease.

Breakthrough Genomics
Classification: Benign. Review status: criteria provided, single submitter. Criteria: ACMG Guidelines, 2015. Collection method: not provided. Allele origin: germline. Inheritance: Autosomal recessive inheritance. Affected: yes.